The following is an entry in ClinVar:

ClinVar aggregate classification (germline): Uncertain significance (1 of 4 stars; one submission).

Conditions:
Malignant hyperthermia, susceptibility to, 5 (MHS5). Also called: CACNA1S-Related Malignant Hyperthermia Susceptibility. Identifiers: Orphanet 423, MedGen C1866077, MONDO:0011163, OMIM 601887.

Allele frequency attached by ClinVar (database versions not stated): gnomAD exomes below 0.00001.
gnomAD v4.1: 2 of 1,614,226 alleles (0.00012%); highest among the groups gnomAD compares: Non-Finnish European, 0.000085%; no homozygotes.

Submission:

All of Us Research Program, National Institutes of Health
Classification: Uncertain significance for Malignant hyperthermia, susceptibility to, 5. Last evaluated: 2023-05-04. Review status: criteria provided, single submitter. Criteria: ACMG Guidelines, 2015. Collection method: clinical testing. Allele origin: germline. Inheritance: Autosomal dominant inheritance. Observed: 1 variant allele, 1 heterozygote.
Comment: This missense variant replaces alanine with threonine at codon 1802 of the CACNA1S protein. Computational prediction suggests that this variant may not impact protein structure and function (internally defined REVEL score threshold <= 0.5, PMID: 27666373). To our knowledge, functional studies have not been reported for this variant. This variant has not been reported in individuals affected with CACNA1S-related disorders in the literature. This variant has not been identified in the general population by the Genome Aggregation Database (gnomAD). The available evidence is insufficient to determine the role of this variant in disease conclusively. Therefore, this variant is classified as a Variant of Uncertain Significance.

This study involves interpretation of variants in research participants for the purpose of population health screening. Participant phenotype was not available at the time of variant classification. Additional details can be found in publication PMID: 35346344, PMCID: PMC8962531

NM_000069.3(CACNA1S):c.5404G>A (p.Ala1802Thr)

Gene: CACNA1S (calcium voltage-gated channel subunit alpha1 S; minus strand). Cytogenetic location: 1q32.1.
Variant type: single nucleotide variant.
Coding change: c.5404G>A on transcript NM_000069.3 (MANE Select); coding-DNA position 5404, G replaced by A.
Protein change: p.Ala1802Thr; replaces alanine 1802 with threonine.
Molecular consequence: missense variant.
Genome position (GRCh38, 1-based): chr1:201,040,049, C>T on the plus strand (G>A on the coding strand, the complement: CACNA1S is on the minus strand). VCF-style: chr1-201040049-C-T. GRCh37 (hg19) VCF-style: chr1-201009177-C-T.
Other names: short protein forms A1802T.
Identifiers: ClinVar variation 3070672 (VCV003070672.1), dbSNP rs900319991, ClinGen allele CA35989099.